The following is an entry in ClinVar:

ClinVar aggregate classification (germline): Uncertain significance (1 of 4 stars; one submission).

Allele frequency attached by ClinVar (database versions not stated): TOPMed 0.00004.
gnomAD v4.1: 13 of 1,551,668 alleles (0.00084%); highest among the groups gnomAD compares: African/African-American, 0.0096%; no homozygotes.

Submissions (2):

Labcorp Genetics (formerly Invitae), Labcorp
Classification: Uncertain significance. Last evaluated: 2023-12-22. Review status: criteria provided, single submitter. Criteria: Invitae Variant Classification Sherloc (09022015). Collection method: clinical testing. Allele origin: germline.
Comment: This sequence change affects a donor splice site in intron 7 of the KPNA7 gene. It is expected to disrupt RNA splicing. Variants that disrupt the donor or acceptor splice site typically lead to a loss of protein function (PMID: 16199547), however the current clinical and genetic evidence is not sufficient to establish whether loss-of-function variants in KPNA7 cause disease. This variant is present in population databases (no rsID available, gnomAD 0.006%). This variant has not been reported in the literature in individuals affected with KPNA7-related conditions. ClinVar contains an entry for this variant (Variation ID: 949034). Algorithms developed to predict the effect of sequence changes on RNA splicing suggest that this variant may disrupt the consensus splice site. In summary, the available evidence is currently insufficient to determine the role of this variant in disease. Therefore, it has been classified as a Variant of Uncertain Significance.

Dr. Peter K. Rogan Lab, Western University
No classification provided (evidence only). Condition: Adrenocortical carcinoma, hereditary. Review status: no classification provided. Collection method: in vitro. Allele origin: not applicable. Functional consequence: retained intron. Not counted in ClinVar's aggregate classification.

Literature cited by the submitters: PubMed 16199547 (cited by Labcorp Genetics (formerly Invitae), Labcorp).

NM_001145715.3(KPNA7):c.1134+1G>C

Gene: KPNA7 (karyopherin subunit alpha 7; minus strand). Cytogenetic location: 7q22.1.
Variant type: single nucleotide variant.
Coding change: c.1134+1G>C on transcript NM_001145715.3 (MANE Select); the canonical splice donor site of the intron after coding-DNA position 1134, G replaced by C.
Molecular consequence: splice donor variant.
Genome position (GRCh38, 1-based): chr7:99,184,928, C>G on the plus strand (G>C on the coding strand, the complement: KPNA7 is on the minus strand). VCF-style: chr7-99184928-C-G. GRCh37 (hg19) VCF-style: chr7-98782551-C-G.
Identifiers: ClinVar variation 949034 (VCV000949034.8), dbSNP rs953759927, ClinGen allele CA163745345.
Genomic context (GRCh38, chr7:99,184,928, plus strand): 5'-AGTTCAACCCAGGGCTATTGGAAAGTAGTCCTTTGCCATGGTTGCTGTGTGCGCCACTTA[C>G]GTTTTTTAGCAGAGCCACCAAGGGAGGCAAGACGTCGTAGGCAAGCAGCTGCTGGATGTG-3'